The following is an entry in ClinVar:

ClinVar aggregate classification (germline): Uncertain significance (1 of 4 stars; one submission).

Conditions:
Cardiovascular phenotype. Identifiers: MedGen CN230736.

gnomAD v4.1: 10 of 1,610,718 alleles (0.00062%); highest among the groups gnomAD compares: African/African-American, 0.0013%; no homozygotes.

Submission:

Ambry Genetics
Classification: Uncertain significance for Cardiovascular phenotype. Last evaluated: 2025-12-24. Review status: criteria provided, single submitter. Criteria: Ambry Variant Classification Scheme 2023. Collection method: clinical testing. Allele origin: germline.
Comment: The p.T198A variant (also known as c.592A>G), located in coding exon 5 of the GPD1L gene, results from an A to G substitution at nucleotide position 592. The threonine at codon 198 is replaced by alanine, an amino acid with similar properties. This amino acid position is conserved. In addition, this alteration is predicted to be tolerated by in silico analysis. Based on the available evidence, the clinical significance of this variant remains unclear.

NM_015141.4(GPD1L):c.592A>G (p.Thr198Ala)

Gene: GPD1L (glycerol-3-phosphate dehydrogenase 1 like; plus strand). Cytogenetic location: 3p22.3.
Variant type: single nucleotide variant.
Coding change: c.592A>G on transcript NM_015141.4 (MANE Select); coding-DNA position 592, A replaced by G.
Protein change: p.Thr198Ala; replaces threonine 198 with alanine.
Molecular consequence: missense variant.
Genome position (GRCh38, 1-based): chr3:32,146,708, A>G. VCF-style: chr3-32146708-A-G. GRCh37 (hg19) VCF-style: chr3-32188200-A-G.
Other names: short protein forms T198A.
Identifiers: ClinVar variation 4842299 (VCV004842299.1).